The following is an entry in ClinVar:

NM_020631.6(PLEKHG5):c.2788C>T (p.Arg930Ter)

Gene: PLEKHG5 (pleckstrin homology and RhoGEF domain containing G5; minus strand). Cytogenetic location: 1p36.31.
Variant type: single nucleotide variant.
Coding change: c.2788C>T on transcript NM_020631.6 (MANE Select); coding-DNA position 2788, C replaced by T.
Protein change: p.Arg930Ter; replaces arginine 930 with a stop codon.
Molecular consequence: nonsense. On other transcripts: intron variant (1).
Genome position (GRCh38, 1-based): chr1:6,468,048, G>A on the plus strand (C>T on the coding strand, the complement: PLEKHG5 is on the minus strand). VCF-style: chr1-6468048-G-A. GRCh37 (hg19) VCF-style: chr1-6528108-G-A.
Other names: c.2899C>T, p.Arg967Ter (NM_001042663.3, NM_001265592.2); c.2788C>T, p.Arg930Ter (NM_001042664.2, NM_001042665.2, NM_198681.4); c.2995C>T, p.Arg999Ter (NM_001265593.2); c.2737+51C>T (NM_001265594.3); short protein forms R930*, R967*, R999*.
Identifiers: ClinVar variation 1796001 (VCV001796001.5), dbSNP rs778854412, ClinGen allele CA561093.

ClinVar aggregate classification (germline): Pathogenic. Review status: criteria provided, multiple submitters, no conflicts (2 of 4 stars). 2 submissions from 2 submitters: Pathogenic (2). Last evaluated 2023-02-22.

Conditions:
Inborn genetic diseases. Identifiers: MedGen C0950123, MeSH D030342.
Charcot-Marie-Tooth disease recessive intermediate C. Also called: CHARCOT-MARIE-TOOTH NEUROPATHY, RECESSIVE INTERMEDIATE C. Identifiers: Orphanet 369867, MedGen C3809309, MONDO:0014154, OMIM 615376.
Neuronopathy, distal hereditary motor, autosomal recessive 4. Also called: NEUROPATHY, DISTAL HEREDITARY MOTOR, AUTOSOMAL RECESSIVE 4; Autosomal recessive lower motor neuron disease with childhood onset. Identifiers: Orphanet 206580, MedGen C1970211, MONDO:0012608, OMIM 611067.

Allele frequency attached by ClinVar (database versions not stated): gnomAD exomes below 0.00001; gnomAD 0.00001; TOPMed 0.00001.
gnomAD v4.1: 5 of 1,563,626 alleles (0.00032%); highest among the groups gnomAD compares: African/African-American, 0.0013%; no homozygotes.

Submissions (2):

Labcorp Genetics (formerly Invitae), Labcorp
Classification: Pathogenic for Neuronopathy, distal hereditary motor, autosomal recessive 4; Charcot-Marie-Tooth disease recessive intermediate C. Last evaluated: 2023-02-22. Review status: criteria provided, single submitter. Criteria: Invitae Variant Classification Sherloc (09022015). Collection method: clinical testing. Allele origin: germline.
Comment: For these reasons, this variant has been classified as Pathogenic. ClinVar contains an entry for this variant (Variation ID: 1796001). This variant has not been reported in the literature in individuals affected with PLEKHG5-related conditions. The frequency data for this variant in the population databases is considered unreliable, as metrics indicate poor data quality at this position in the gnomAD database. This sequence change creates a premature translational stop signal (p.Arg930*) in the PLEKHG5 gene. It is expected to result in an absent or disrupted protein product. Loss-of-function variants in PLEKHG5 are known to be pathogenic (PMID: 17564964, 23777631).

Ambry Genetics
Classification: Pathogenic for Inborn genetic diseases. Last evaluated: 2021-03-31. Review status: criteria provided, single submitter. Criteria: Ambry Variant Classification Scheme 2023. Collection method: clinical testing. Allele origin: germline.
Comment: The p.R930* variant (also known as c.2788C>T), located in coding exon 19 of the PLEKHG5 gene, results from a C to T substitution at nucleotide position 2788. This changes the amino acid from an arginine to a stop codon within coding exon 19. This alteration is expected to result in loss of function by premature protein truncation or nonsense-mediated mRNA decay. As such, this alteration is interpreted as a disease-causing mutation.

Literature cited by the submitters: PubMed 17564964 (cited by Labcorp Genetics (formerly Invitae), Labcorp); PubMed 23777631 (cited by Labcorp Genetics (formerly Invitae), Labcorp).